The following is an entry in ClinVar:

ClinVar aggregate classification (germline): Uncertain significance. Review status: criteria provided, multiple submitters, no conflicts (2 of 4 stars). 5 submissions from 5 submitters: Uncertain significance (4). 1 of the submissions does not count toward it. Last evaluated 2026-02-02.

Conditions:
Inborn genetic diseases. Identifiers: MedGen C0950123, MeSH D030342.
Usher syndrome type 1B (USH1B). Also called: Usher syndrome type IB. Identifiers: MedGen C1848638, MONDO:0700087.

Allele frequency attached by ClinVar (database versions not stated): ExAC 0.00002; TOPMed 0.00002; gnomAD 0.00003; gnomAD exomes 0.00003.
gnomAD v4.1: 46 of 1,613,926 alleles (0.0029%); highest among the groups gnomAD compares: Non-Finnish European, 0.0039%; no homozygotes.

Submissions (5):

GeneDx
Classification: Uncertain significance. Last evaluated: 2026-02-02. Review status: criteria provided, single submitter. Criteria: GeneDx Variant Classification Process June 2021. Collection method: clinical testing. Allele origin: germline.
Comment: In silico analysis supports that this missense variant has a deleterious effect on protein structure/function; Has not been previously published as pathogenic or benign to our knowledge

Labcorp Genetics (formerly Invitae), Labcorp
Classification: Uncertain significance. Last evaluated: 2025-08-26. Review status: criteria provided, single submitter. Criteria: Invitae Variant Classification Sherloc (09022015). Collection method: clinical testing. Allele origin: germline.
Comment: This sequence change replaces histidine, which is basic and polar, with tyrosine, which is neutral and polar, at codon 220 of the MYO7A protein (p.His220Tyr). This variant is present in population databases (rs781857167, gnomAD 0.008%). This variant has not been reported in the literature in individuals affected with MYO7A-related conditions. ClinVar contains an entry for this variant (Variation ID: 844307). Invitae Evidence Modeling of protein sequence and biophysical properties (such as structural, functional, and spatial information, amino acid conservation, physicochemical variation, residue mobility, and thermodynamic stability) indicates that this missense variant is not expected to disrupt MYO7A protein function with a negative predictive value of 95%. In summary, the available evidence is currently insufficient to determine the role of this variant in disease. Therefore, it has been classified as a Variant of Uncertain Significance.

Ambry Genetics
Classification: Uncertain significance for Inborn genetic diseases. Last evaluated: 2025-08-02. Review status: criteria provided, single submitter. Criteria: Ambry Variant Classification Scheme 2023. Collection method: clinical testing. Allele origin: germline.

Blueprint Genetics
Classification: Uncertain significance. Last evaluated: 2019-12-03. Review status: criteria provided, single submitter. Criteria: ACMG Guidelines, 2015. Collection method: clinical testing. Allele origin: germline.

Natera, Inc.
Classification: Uncertain significance for Usher syndrome type 1B. Last evaluated: 2020-02-13. Review status: no assertion criteria provided. Collection method: clinical testing. Allele origin: germline. Not counted in ClinVar's aggregate classification.

NM_000260.4(MYO7A):c.658C>T (p.His220Tyr)

Gene: MYO7A (myosin VIIA; plus strand). Cytogenetic location: 11q13.5.
Variant type: single nucleotide variant.
Coding change: c.658C>T on transcript NM_000260.4 (MANE Select); coding-DNA position 658, C replaced by T.
Protein change: p.His220Tyr; replaces histidine 220 with tyrosine.
Molecular consequence: missense variant.
Genome position (GRCh38, 1-based): chr11:77,156,927, C>T. VCF-style: chr11-77156927-C-T. GRCh37 (hg19) VCF-style: chr11-76867973-C-T.
Other names: c.658C>T, p.His220Tyr (NM_001127180.2); c.625C>T, p.His209Tyr (NM_001369365.1); short protein forms H209Y, H220Y.
Identifiers: ClinVar variation 844307 (VCV000844307.9), dbSNP rs781857167, ClinGen allele CA6197207.
Genomic context (GRCh38, chr11:77,156,927, plus strand): 5'-GGGAATGCCAAGACCATCCGCAATGACAACTCAAGCCGTTTCGGAAAGTACATCGACATC[C>T]ACTTCAACAAGCGGGGCGCCATCGAGGGCGCGAAGATTGAGCAGTACCTGCTGGAAAAGT-3'
Protein context (NP_000251.3, residues 210-230): SSRFGKYIDI[His220Tyr]FNKRGAIEGA